The following is an entry in ClinVar:

NM_000553.6(WRN):c.561A>G (p.Lys187=)

Gene: WRN (WRN RecQ like helicase; plus strand). Cytogenetic location: 8p12.
Variant type: single nucleotide variant.
Coding change: c.561A>G on transcript NM_000553.6 (MANE Select); coding-DNA position 561, A replaced by G.
Protein change: p.Lys187=; no amino-acid change (lysine 187 retained).
Molecular consequence: synonymous variant.
Genome position (GRCh38, 1-based): chr8:31,067,089, A>G. VCF-style: chr8-31067089-A-G. GRCh37 (hg19) VCF-style: chr8-30924605-A-G.
Identifiers: ClinVar variation 198099 (VCV000198099.14), dbSNP rs775802030, ClinGen allele CA275342.

ClinVar aggregate classification (germline): Pathogenic/Likely pathogenic. Review status: criteria provided, multiple submitters, no conflicts (2 of 4 stars). 4 submissions from 4 submitters: Pathogenic (2); Likely pathogenic (2). Last evaluated 2024-03-11.

Conditions:
Werner syndrome (WRN). Identifiers: Orphanet 902, MedGen C0043119, MONDO:0010196, OMIM 277700.

Allele frequency attached by ClinVar (database versions not stated): gnomAD below 0.00001 and 0.00001; TOPMed below 0.00001; gnomAD exomes 0.00003 and 0.00004; ExAC 0.00005.
gnomAD v4.1: 22 of 1,613,894 alleles (0.0014%); highest among the groups gnomAD compares: South Asian, 0.023%; no homozygotes.

Submissions (4):

Labcorp Genetics (formerly Invitae), Labcorp
Classification: Pathogenic for Werner syndrome. Last evaluated: 2024-03-11. Review status: criteria provided, single submitter. Criteria: Invitae Variant Classification Sherloc (09022015). Collection method: clinical testing. Allele origin: germline.
Comment: This sequence change affects codon 187 of the WRN mRNA. It is a 'silent' change, meaning that it does not change the encoded amino acid sequence of the WRN protein. RNA analysis indicates that this variant induces altered splicing and may result in an absent or disrupted protein product. This variant is present in population databases (rs775802030, gnomAD 0.03%). This variant has been observed in individuals with Werner syndrome (PMID: 23936869; Invitae). ClinVar contains an entry for this variant (Variation ID: 198099). Studies have shown that this variant alters WRN gene expression (PMID: 23936869). Studies have shown that this variant results in partial deletion of exon 6 and introduces a premature termination codon (PMID: 23936869). The resulting mRNA is expected to undergo nonsense-mediated decay. For these reasons, this variant has been classified as Pathogenic.

Baylor Genetics
Classification: Likely pathogenic for Werner syndrome. Last evaluated: 2024-03-03. Review status: criteria provided, single submitter. Criteria: ACMG Guidelines, 2015. Collection method: clinical testing. Allele origin: unknown.

Eurofins Ntd Llc (ga)
Classification: Pathogenic. Last evaluated: 2014-10-14. Review status: criteria provided, single submitter. Criteria: EGL Classification Definitions 2015. Collection method: clinical testing. Allele origin: germline.

UNC Molecular Genetics  Laboratory, University of North Carolina at Chapel Hill
Classification: Likely pathogenic for Werner syndrome. Review status: criteria provided, single submitter. Criteria: ACMG Guidelines, 2015. Collection method: research. Allele origin: germline. Affected: no. Observed: 1 variant allele. Study: NSIGHT-NC NEXUS.
Comment: This variant was reported as a pathogenic variant in 2 individuals with Werner syndrome. The c.561A>G variant was reported to create a cryptic splice donor site resulting in a 98-bp deletion in the mRNA (r.557_654del98), which leads to a frameshift in the resulting WRN protein (p.Lys187Trpfs*13) (PMID: 23936869).

carrier finding

Literature cited by the submitters: PubMed 23936869 (cited by Labcorp Genetics (formerly Invitae), Labcorp and UNC Molecular Genetics  Laboratory, University of North Carolina at Chapel Hill); PubMed 20301687 (cited by UNC Molecular Genetics  Laboratory, University of North Carolina at Chapel Hill).